The following is an entry in ClinVar:

NM_001130438.3(SPTAN1):c.4330T>C (p.Cys1444Arg)

Gene: SPTAN1 (spectrin alpha, non-erythrocytic 1; plus strand). Cytogenetic location: 9q34.11.
Variant type: single nucleotide variant.
Coding change: c.4330T>C on transcript NM_001130438.3 (MANE Select); coding-DNA position 4330, T replaced by C.
Protein change: p.Cys1444Arg; replaces cysteine 1444 with arginine.
Molecular consequence: missense variant.
Genome position (GRCh38, 1-based): chr9:128,608,035, T>C. VCF-style: chr9-128608035-T-C. GRCh37 (hg19) VCF-style: chr9-131370314-T-C.
Other names: c.4330T>C, p.Cys1444Arg (NM_001375313.1, NM_003127.4, NM_001363759.2 and 2 more transcripts); c.4270T>C, p.Cys1424Arg (NM_001375314.2, NM_001195532.2, NM_001363765.2); c.4366T>C, p.Cys1456Arg (NM_001375318.1, NM_001375312.2); short protein forms C1444R, C1456R, C1424R.
Identifiers: ClinVar variation 2127929 (VCV002127929.4), dbSNP rs2541753224, ClinGen allele CA375066745.
Genomic context (GRCh38, chr9:128,608,035, plus strand): 5'-GACCAGGAGCGTGCAGACCTGGAGAAGGCCTGGGTTCAGCGCAGGATGATGCTGGATCAG[T>C]GCCTTGAACTGCAGGTGTGTGTGCTCCTGGTTTCTGACCAAGTGTTTCCTTGCTGAAGGG-3'
Protein context (NP_001123910.1, residues 1434-1454): WVQRRMMLDQ[Cys1444Arg]LELQLFHRDC

ClinVar aggregate classification (germline): Uncertain significance (1 of 4 stars; one submission).

Conditions:
Early-infantile DEE. Also called: Early infantile epileptic encephalopathy; Ohtahara syndrome; Early infantile epileptic encephalopathy with suppression bursts. Identifiers: Orphanet 1934, MedGen C0393706, MONDO:0800491.

Submission:

Labcorp Genetics (formerly Invitae), Labcorp
Classification: Uncertain significance for Early-infantile DEE. Last evaluated: 2022-04-19. Review status: criteria provided, single submitter. Criteria: Invitae Variant Classification Sherloc (09022015). Collection method: clinical testing. Allele origin: germline.
Comment: This variant has not been reported in the literature in individuals affected with SPTAN1-related conditions. In summary, the available evidence is currently insufficient to determine the role of this variant in disease. Therefore, it has been classified as a Variant of Uncertain Significance. Algorithms developed to predict the effect of missense changes on protein structure and function are either unavailable or do not agree on the potential impact of this missense change (SIFT: "Tolerated"; PolyPhen-2: "Probably Damaging"; Align-GVGD: "Class C0"). This variant is not present in population databases (gnomAD no frequency). This sequence change replaces cysteine, which is neutral and slightly polar, with arginine, which is basic and polar, at codon 1444 of the SPTAN1 protein (p.Cys1444Arg).